The following is an entry in ClinVar:

NM_001845.6(COL4A1):c.1285+3del

Gene: COL4A1 (collagen type IV alpha 1 chain; minus strand). Cytogenetic location: 13q34.
Variant type: Deletion.
Coding change: c.1285+3del on transcript NM_001845.6 (MANE Select); 3 bases into the intron after coding-DNA position 1285, one base deleted (G; older notation c.1285+3delG).
Molecular consequence: intron variant.
Genome position (GRCh38, 1-based): chr13:110,198,464, C deleted on the plus strand (G on the coding strand, the reverse complement: COL4A1 is on the minus strand). VCF-style (leftmost placement, unchanged base first): chr13-110198463-TC-T. GRCh37 (hg19) VCF-style: chr13-110850810-TC-T.
Other names: c.1285+3del (NM_001303110.2).
Identifiers: ClinVar variation 1318568 (VCV001318568.2), dbSNP rs2139187206, ClinGen allele CA2573053777.

ClinVar aggregate classification (germline): Uncertain significance (1 of 4 stars; one submission).

Submission:

GeneDx
Classification: Uncertain significance. Last evaluated: 2019-09-05. Review status: criteria provided, single submitter. Criteria: GeneDx Variant Classification Process June 2021. Collection method: clinical testing. Allele origin: germline. Affected: yes.
Comment: Not observed in large population cohorts (Lek et al., 2016); Intronic variant predicted to result in aberrant splicing. In the absence of RNA/functional studies, the actual effect of this sequence change is unknown.; Has not been previously published as pathogenic or benign to our knowledge